The following is an entry in ClinVar:

ClinVar aggregate classification (germline): Uncertain significance (1 of 4 stars; one submission).

Allele frequency attached by ClinVar (database versions not stated): gnomAD exomes 0.00001 and 0.00002; ExAC 0.00002; ESP Exome Variant Server 0.00008.
gnomAD v4.1: 12 of 1,613,712 alleles (0.00074%); highest among the groups gnomAD compares: Non-Finnish European, 0.000085%; no homozygotes.

Submission:

Labcorp Genetics (formerly Invitae), Labcorp
Classification: Uncertain significance. Last evaluated: 2021-08-31. Review status: criteria provided, single submitter. Criteria: Invitae Variant Classification Sherloc (09022015). Collection method: clinical testing. Allele origin: germline.
Comment: This sequence change replaces glutamic acid with lysine at codon 906 of the TTC37 protein (p.Glu906Lys). The glutamic acid residue is highly conserved and there is a small physicochemical difference between glutamic acid and lysine. This variant is present in population databases (rs151162862, ExAC 0.003%). This variant has not been reported in the literature in individuals affected with TTC37-related conditions. Algorithms developed to predict the effect of missense changes on protein structure and function are either unavailable or do not agree on the potential impact of this missense change (SIFT: "Deleterious"; PolyPhen-2: "Probably Damaging"; Align-GVGD: "Class C0"). In summary, the available evidence is currently insufficient to determine the role of this variant in disease. Therefore, it has been classified as a Variant of Uncertain Significance.

NM_014639.4(SKIC3):c.2716G>A (p.Glu906Lys)

Gene: SKIC3 (SKI3 subunit of superkiller complex; minus strand). Cytogenetic location: 5q15.
Variant type: single nucleotide variant.
Coding change: c.2716G>A on transcript NM_014639.4 (MANE Select); coding-DNA position 2716, G replaced by A.
Protein change: p.Glu906Lys; replaces glutamic acid 906 with lysine.
Molecular consequence: missense variant.
Genome position (GRCh38, 1-based): chr5:95,513,633, C>T on the plus strand (G>A on the coding strand, the complement: SKIC3 is on the minus strand). VCF-style: chr5-95513633-C-T. GRCh37 (hg19) VCF-style: chr5-94849337-C-T.
Other names: short protein forms E906K.
Identifiers: ClinVar variation 1399226 (VCV001399226.5), dbSNP rs151162862, ClinGen allele CA3346982.
Genomic context (GRCh38, chr5:95,513,633, plus strand): 5'-GCATATTTAGTTCTGTAGTGTGCCTGAAGAGATCCATGGTGTCATAACTTCCAACTGCCT[C>T]AGCAATAAGAGCCTATAAAAGGAAAAAAACAGACTCTTAATGTGTTTAAAAGACAGTAAC-3'
Protein context (NP_055454.1, residues 896-916): MCWIGQALIA[Glu906Lys]AVGSYDTMDL